The following is an entry in ClinVar:

NM_005670.4(EPM2A):c.88G>A (p.Gly30Arg)

Genes: EPM2A (EPM2A glucan phosphatase, laforin; minus strand), EPM2A-DT (EPM2A divergent transcript; plus strand), LOC129997381 (ATAC-STARR-seq lymphoblastoid silent region 17642; plus strand). Cytogenetic location: 6q24.3.
Variant type: single nucleotide variant.
Coding change: c.88G>A on transcript NM_005670.4 (MANE Select); coding-DNA position 88, G replaced by A.
Protein change: p.Gly30Arg; replaces glycine 30 with arginine.
Molecular consequence: missense variant. On other transcripts: 5 prime UTR variant (3), intron variant (1).
Genome position (GRCh38, 1-based): chr6:145,735,411, C>T on the plus strand (G>A on the coding strand, the complement: EPM2A is on the minus strand). VCF-style: chr6-145735411-C-T. GRCh37 (hg19) VCF-style: chr6-146056547-C-T.
Other names: p.G30R:GGG>AGG; c.88G>A, p.Gly30Arg (NM_001018041.2, NM_001360057.2, NM_001368130.1); c.-582G>A (NM_001360071.2); c.-536G>A (NM_001368129.2); c.-280G>A (NM_001368131.1); c.-114+497G>A (NM_001360064.2); short protein forms G30R.
Identifiers: ClinVar variation 205443 (VCV000205443.2), dbSNP rs796052434, ClinGen allele CA314518.

ClinVar aggregate classification (germline): Likely pathogenic (1 of 4 stars; one submission).

Submission:

GeneDx
Classification: Likely pathogenic. Last evaluated: 2014-03-31. Review status: criteria provided, single submitter. Criteria: GeneDx Variant Classification (06012015). Collection method: clinical testing. Allele origin: germline. Affected: yes.
Comment: p.Gly30Arg (GGG>AGG): c.88 G>A in exon 1 of the EPM2A gene (NM_005670.3). The G30R variant has not been published as a mutation, nor has it been reported as a benign polymorphism to our knowledge. It was not observed in approximately 300 individuals of European and African American ancestry in the NHLBI Exome Sequencing Project, indicating it is not a common benign variant in these populations. The G30R variant is a non-conservative amino acid substitution, which is likely to impact secondary protein structure as these residues differ in polarity, charge, size and/or other properties. It alters a conserved position in the CBM20 domain of the protein, and missense mutations at nearby residues (S25P, E28K, W32G) have been reported in association with epilepsy, supporting the functional importance of this region of the protein. Furthermore, in silico analysis predicts this variant is probably damaging to the protein structure/function. Therefore, this variant is a strong candidate for a pathogenic mutation; however, the possibility that it is a benign variant cannot be excluded. The variant is found in EPILEPSY panel(s).